The following is an entry in ClinVar:

ClinVar aggregate classification (germline): Uncertain significance (1 of 4 stars; one submission).

Conditions:
EPILEPSY, CHILDHOOD ABSENCE, SUSCEPTIBILITY TO, 2 (ECA2). Identifiers: Orphanet 64280, MedGen C1843244, OMIM 607681.
Febrile seizures, familial, 8 (FEB8). Also called: CONVULSIONS, FAMILIAL FEBRILE, 8. Identifiers: Orphanet 36387, MedGen C1969810, MONDO:0011891, OMIM 607681.

Submission:

Labcorp Genetics (formerly Invitae), Labcorp
Classification: Uncertain significance for Febrile seizures, familial, 8; EPILEPSY, CHILDHOOD ABSENCE, SUSCEPTIBILITY TO, 2. Last evaluated: 2025-06-17. Review status: criteria provided, single submitter. Criteria: Invitae Variant Classification Sherloc (09022015). Collection method: clinical testing. Allele origin: germline.
Comment: This sequence change replaces cysteine, which is neutral and slightly polar, with tyrosine, which is neutral and polar, at codon 204 of the GABRG2 protein (p.Cys204Tyr). This variant is not present in population databases (gnomAD no frequency). This variant has not been reported in the literature in individuals affected with GABRG2-related conditions. Invitae Evidence Modeling of protein sequence and biophysical properties (such as structural, functional, and spatial information, amino acid conservation, physicochemical variation, residue mobility, and thermodynamic stability) indicates that this missense variant is expected to disrupt GABRG2 protein function with a positive predictive value of 95%. In summary, the available evidence is currently insufficient to determine the role of this variant in disease. Therefore, it has been classified as a Variant of Uncertain Significance.

NM_198904.4(GABRG2):c.611G>A (p.Cys204Tyr)

Gene: GABRG2 (gamma-aminobutyric acid type A receptor subunit gamma2; plus strand). Cytogenetic location: 5q34.
Variant type: single nucleotide variant.
Coding change: c.611G>A on transcript NM_198904.4 (MANE Select); coding-DNA position 611, G replaced by A.
Protein change: p.Cys204Tyr; replaces cysteine 204 with tyrosine.
Molecular consequence: missense variant.
Genome position (GRCh38, 1-based): chr5:162,101,297, G>A. VCF-style: chr5-162101297-G-A. GRCh37 (hg19) VCF-style: chr5-161528303-G-A.
Other names: c.611G>A, p.Cys204Tyr (NM_000816.3, NM_001375340.1, NM_001375341.1 and 4 more transcripts); c.602G>A, p.Cys201Tyr (NM_001375339.1); c.545G>A, p.Cys182Tyr (NM_001375345.1, NM_001375346.1); c.524G>A, p.Cys175Tyr (NM_001375347.1); c.191G>A, p.Cys64Tyr (NM_001375348.1, NM_001375350.1); c.326G>A, p.Cys109Tyr (NM_001375349.1); short protein forms C175Y, C201Y, C64Y, C109Y, C204Y, C182Y.
Identifiers: ClinVar variation 4793823 (VCV004793823.1).